The following is an entry in ClinVar:

NM_000094.4(COL7A1):c.7300G>A (p.Gly2434Arg)

Gene: COL7A1 (collagen type VII alpha 1 chain; minus strand). Cytogenetic location: 3p21.31.
Variant type: single nucleotide variant.
Coding change: c.7300G>A on transcript NM_000094.4 (MANE Select); coding-DNA position 7300, G replaced by A.
Protein change: p.Gly2434Arg; replaces glycine 2434 with arginine.
Molecular consequence: missense variant.
Genome position (GRCh38, 1-based): chr3:48,570,683, C>T on the plus strand (G>A on the coding strand, the complement: COL7A1 is on the minus strand). VCF-style: chr3-48570683-C-T. GRCh37 (hg19) VCF-style: chr3-48608116-C-T.
Other names: c.7300G>A (NM_000094.3); short protein forms G2434R.
Identifiers: ClinVar variation 1048048 (VCV001048048.4), dbSNP rs2043856489, ClinGen allele CA352647937.

ClinVar aggregate classification (germline): Conflicting classifications of pathogenicity. Review status: criteria provided, conflicting classifications (1 of 4 stars). 3 submissions from 3 submitters: Pathogenic (1); Likely pathogenic (1); Uncertain significance (1). Last evaluated 2025-09-24.

Conditions:
Epidermolysis bullosa dystrophica. Also called: Dystrophic epidermolysis bullosa, Hallopeau-Siemens type (formerly); Dystrophic epidermolysis bullosa. Identifiers: Orphanet 303, MedGen C0079294, MONDO:0006543.

Submissions (3):

Natera, Inc.
Classification: Likely pathogenic for Dystrophic epidermolysis bullosa. Last evaluated: 2025-09-24. Review status: criteria provided, single submitter. Criteria: Natera Variant Classification Schema (03/2026). Collection method: clinical testing. Allele origin: germline.
Comment: The c.7300G>A variant in COL7A1 is a missense variant predicted to cause substitution of glycine to arginine at amino acid 2434. This variant is rare in the general population with a frequency below the threshold expected for the associated phenotype(s). This variant has been observed in one or more individuals affected with the associated recessive disease, as either homozygous or compound heterozygous with a second variant (PMID: 20184583, 40701620). Computational prediction algorithms indicate this variant is likely to affect gene or protein function. Given the available evidence, this variant is classified as Likely Pathogenic.

Dasa
Classification: Uncertain significance. Last evaluated: 2025-07-10. Review status: criteria provided, single submitter. Criteria: DASA Assertion Criteria. Collection method: clinical testing. Allele origin: germline.
Comment: NM_000094.4(COL7A1):c.7300G>A (p.Gly2434Arg) is a missense variant that results in the substitution of glycine with arginine. This variant has been observed in affected individuals with COL7A1-related disorders. Also, this variant is absent from population databases. Computational prediction algorithms are consistent with a deleterious effect. The currently available literature and clinical evidence are not sufficient to establish a definitive association between this variant and the reported condition. Therefore, this variant is classified as a variant of uncertain significance.

Biomedical Innovation Departament, CIEMAT
Classification: Pathogenic for Dystrophic epidermolysis bullosa. Last evaluated: 2018-12-11. Review status: criteria provided, single submitter. Criteria: ACMG Guidelines, 2015. Collection method: research. Allele origin: germline. Affected: yes. Observed: 1 variant allele.

Literature cited by the submitters: PubMed 20184583 (cited by Natera, Inc.); PubMed 40701620 (cited by Natera, Inc.).